The following is an entry in ClinVar:

ClinVar aggregate classification (germline): Uncertain significance (1 of 4 stars; one submission).

Conditions:
CREBBP-related disorder. Also called: CREBBP-related condition; CREBBP-related disorders.

gnomAD v4.1: 2 of 1,614,164 alleles (0.00012%); highest among the groups gnomAD compares: East Asian, 0.0022%; no homozygotes.

Submission:

PreventionGenetics, part of Exact Sciences
Classification: Uncertain significance for CREBBP-related condition. Last evaluated: 2025-09-01. Review status: criteria provided, single submitter. Criteria: ACMG Guidelines, 2015. Collection method: clinical testing. Allele origin: germline.
Comment: The CREBBP c.1123G>A variant is predicted to result in the amino acid substitution p.Gly375Arg. To our knowledge, this variant has not been reported in the literature. This variant is reported in 0.0054% of alleles in individuals of East Asian descent in gnomAD. At this time, the clinical significance of this variant is uncertain due to the absence of conclusive functional and genetic evidence.

NM_004380.3(CREBBP):c.1123G>A (p.Gly375Arg)

Gene: CREBBP (CREB binding lysine acetyltransferase; minus strand). Cytogenetic location: 16p13.3.
Variant type: single nucleotide variant.
Coding change: c.1123G>A on transcript NM_004380.3 (MANE Select); coding-DNA position 1123, G replaced by A.
Protein change: p.Gly375Arg; replaces glycine 375 with arginine.
Molecular consequence: missense variant.
Genome position (GRCh38, 1-based): chr16:3,793,479, C>T on the plus strand (G>A on the coding strand, the complement: CREBBP is on the minus strand). VCF-style: chr16-3793479-C-T. GRCh37 (hg19) VCF-style: chr16-3843480-C-T.
Other names: c.1123G>A, p.Gly375Arg (NM_001079846.1); short protein forms G375R.
Identifiers: ClinVar variation 4991385 (VCV004991385.1).